The following is an entry in ClinVar:

NM_000169.3(GLA):c.123C>T (p.Thr41=)

Genes: GLA (galactosidase alpha; minus strand), RPL36A-HNRNPH2 (RPL36A-HNRNPH2 readthrough; plus strand). Cytogenetic location: Xq22.1.
Variant type: single nucleotide variant.
Coding change: c.123C>T on transcript NM_000169.3 (MANE Select); coding-DNA position 123, C replaced by T.
Protein change: p.Thr41=; no amino-acid change (threonine 41 retained).
Molecular consequence: synonymous variant. On other transcripts: non-coding transcript variant (3), intron variant (2).
Genome position (GRCh38, 1-based): chrX:101,407,781, G>A on the plus strand (C>T on the coding strand, the complement: GLA is on the minus strand). VCF-style: chrX-101407781-G-A. GRCh37 (hg19) VCF-style: chrX-100662769-G-A.
Other names: c.123C>T, p.Thr41= (NM_001406747.1, NM_001406748.1, NM_001406749.1); c.301-4155G>A (NM_001199973.2); c.178-4155G>A (NM_001199974.2).
Identifiers: ClinVar variation 222170 (VCV000222170.66), dbSNP rs137902198, ClinGen allele CA029830.

ClinVar aggregate classification (germline): Benign/Likely benign. Review status: criteria provided, multiple submitters, no conflicts (2 of 4 stars). 14 submissions from 14 submitters: Benign (2); Likely benign (7). 5 of the submissions do not count toward it. Last evaluated 2026-09-08.

Conditions:
Cardiovascular phenotype. Identifiers: MedGen CN230736.
Cardiomyopathy (CMYO). Also called: Cardiomyopathies. Identifiers: Orphanet 167848, MedGen C0878544, MONDO:0004994, HP:0001638. Inheritance: Various modes of inheritance.
Fabry disease. Also called: Angiokeratoma corporis diffusum; Ceramide trihexosidosis; Fabry's disease; ALPHA-GALACTOSIDASE A DEFICIENCY; ANDERSON-FABRY DISEASE; CERAMIDE TRIHEXOSIDASE DEFICIENCY. Identifiers: Orphanet 324, MedGen C0002986, MONDO:0010526, OMIM 301500, HP:0001071. Disease mechanism: Fabry disease is due to inactivating mutations in the X-linked GLA gene resulting in deficiency of the enzyme Alpha Galactosidase-A., loss of function.

Allele frequency attached by ClinVar (database versions not stated): ExAC 0.00015; gnomAD 0.00016 and 0.00017; gnomAD exomes 0.00016 and 0.00023; TOPMed 0.00017; ESP Exome Variant Server 0.00019.
gnomAD v4.1: 269 of 1,209,596 alleles (0.022%); highest among the groups gnomAD compares: Non-Finnish European, 0.029%; 1 homozygote.

Submissions (14):

Genomenon, Inc
Classification: Likely benign for Fabry disease. Last evaluated: 2026-09-08. Review status: criteria provided, single submitter. Criteria: Genomenon Sequence Variant Interpretation Standards - Updated. Collection method: curation. Allele origin: germline. Affected: no.
Comment: GLA c.123C>T is a synonymous variant that retains Threonine at codon 41. This variant has been reported in the published literature (PMID:26866599). It is absent or not present at a significant frequency in gnomAD. This variant is not predicted to impact splicing. In conclusion, we classify GLA p.Thr41= (c.123C>T) as a likely benign variant.

CeGaT Center for Human Genetics Tuebingen
Classification: Likely benign. Last evaluated: 2026-08-01. Review status: criteria provided, single submitter. Criteria: CeGaT Center For Human Genetics Tuebingen Variant Classification Criteria Version 2. Collection method: clinical testing. Allele origin: germline. Affected: yes. Observed: 3 variant alleles.
Comment: GLA: BP4, BP7, BS2

Labcorp Genetics (formerly Invitae), Labcorp
Classification: Likely benign for Fabry disease. Last evaluated: 2026-01-25. Review status: criteria provided, single submitter. Criteria: Invitae Variant Classification Sherloc (09022015). Collection method: clinical testing. Allele origin: germline.

Blueprint Genetics
Classification: Benign. Last evaluated: 2024-10-16. Review status: criteria provided, single submitter. Criteria: ACMG Guidelines, 2015. Collection method: clinical testing. Allele origin: germline.

Women's Health and Genetics/Laboratory Corporation of America, LabCorp
Classification: Likely benign. Last evaluated: 2024-06-12. Review status: criteria provided, single submitter. Criteria: LabCorp Variant Classification Summary - May 2015. Collection method: clinical testing. Allele origin: germline.

Genome-Nilou Lab
Classification: Likely benign for Fabry disease. Last evaluated: 2021-07-15. Review status: criteria provided, single submitter. Criteria: ACMG Guidelines, 2015. Collection method: clinical testing. Allele origin: germline. Affected: no.

Ambry Genetics
Classification: Likely benign for Cardiovascular phenotype. Last evaluated: 2019-06-13. Review status: criteria provided, single submitter. Criteria: Ambry Variant Classification Scheme 2023. Collection method: clinical testing. Allele origin: germline.

Color Diagnostics, LLC DBA Color Health
Classification: Likely benign for Fabry disease. Last evaluated: 2018-06-25. Review status: criteria provided, single submitter. Criteria: ACMG Guidelines, 2015. Collection method: clinical testing. Allele origin: germline.

GeneDx
Classification: Benign. Last evaluated: 2015-03-12. Review status: criteria provided, single submitter. Criteria: GeneDx Variant Classification (06012015). Collection method: clinical testing. Allele origin: germline. Affected: yes.
Comment: This variant is considered likely benign or benign based on one or more of the following criteria: it is a conservative change, it occurs at a poorly conserved position in the protein, it is predicted to be benign by multiple in silico algorithms, and/or has population frequency not consistent with disease.

Clinical Genetics DNA and cytogenetics Diagnostics Lab, Erasmus MC, Erasmus Medical Center
Classification: Likely benign. Review status: no assertion criteria provided. Collection method: clinical testing. Allele origin: germline. Affected: yes. Study: VKGL Data-share Consensus. Not counted in ClinVar's aggregate classification.

Clinical Genetics, Academic Medical Center
Classification: Benign. Review status: no assertion criteria provided. Collection method: clinical testing. Allele origin: germline. Affected: yes. Study: VKGL Data-share Consensus. Not counted in ClinVar's aggregate classification.

Genome Diagnostics Laboratory, University Medical Center Utrecht
Classification: Likely benign. Review status: no assertion criteria provided. Collection method: clinical testing. Allele origin: germline. Affected: yes. Study: VKGL Data-share Consensus. Not counted in ClinVar's aggregate classification.

Joint Genome Diagnostic Labs from Nijmegen and Maastricht, Radboudumc and MUMC+
Classification: Likely benign. Review status: no assertion criteria provided. Collection method: clinical testing. Allele origin: germline. Affected: yes. Study: VKGL Data-share Consensus. Not counted in ClinVar's aggregate classification.

CHEO Genetics Diagnostic Laboratory, Children's Hospital of Eastern Ontario
Classification: Uncertain significance for Cardiomyopathy. Last evaluated: 2016-08-25. Review status: flagged submission. Criteria: ACMG Guidelines, 2015. Collection method: clinical testing. Allele origin: germline. Study: Canadian Open Genetics Repository. Not counted in ClinVar's aggregate classification.
ClinVar note: Reason: Outlier claim with insufficient supporting evidence

Literature cited by the submitters: PubMed 26866599 (cited by Genomenon, Inc).